The following is an entry in ClinVar:

NM_177438.3(DICER1):c.3540C>A (p.Tyr1180Ter)

Gene: DICER1 (dicer 1, ribonuclease III; minus strand). Cytogenetic location: 14q32.13.
Variant type: single nucleotide variant.
Coding change: c.3540C>A on transcript NM_177438.3 (MANE Select); coding-DNA position 3540, C replaced by A.
Protein change: p.Tyr1180Ter; replaces tyrosine 1180 with a stop codon.
Molecular consequence: nonsense.
Genome position (GRCh38, 1-based): chr14:95,103,856, G>T on the plus strand (C>A on the coding strand, the complement: DICER1 is on the minus strand). VCF-style: chr14-95103856-G-T. GRCh37 (hg19) VCF-style: chr14-95570193-G-T.
Other names: c.3540C>A, p.Tyr1180Ter (NM_001195573.1, NM_001271282.3, NM_001291628.2 and 1 more transcripts); short protein forms Y1180*.
Identifiers: ClinVar variation 254323 (VCV000254323.20), dbSNP rs886037704, ClinGen allele CA10586427.

ClinVar aggregate classification (germline): Pathogenic. Review status: criteria provided, multiple submitters, no conflicts (2 of 4 stars). 9 submissions from 9 submitters: Pathogenic (9). Last evaluated 2025-09-10.

Conditions:
Hereditary cancer-predisposing syndrome. Also called: Tumor predisposition; Hereditary Cancer Syndrome; Neoplastic Syndromes, Hereditary; Hereditary neoplastic syndrome. Identifiers: Orphanet 140162, MedGen C0027672, MeSH D009386, MONDO:0015356.
Global developmental delay - lung cysts - overgrowth - Wilms tumor syndrome. Also called: GLOW Syndrome; GLOBAL DEVELOPMENTAL DELAY, LUNG CYSTS, OVERGROWTH, AND WILMS TUMOR. Identifiers: Orphanet 404476, MedGen C4748924, MONDO:0018445, OMIM 618272.
DICER1-related tumor predisposition. Also called: DICER1 syndrome; DICER1-related pleuropulmonary blastoma cancer predisposition syndrome. Identifiers: Orphanet 284343, MedGen C3839822, MONDO:0100216.

Allele frequency attached by ClinVar (database versions not stated): gnomAD exomes below 0.00001.
gnomAD v4.1: 2 of 1,614,204 alleles (0.00012%); highest among the groups gnomAD compares: Non-Finnish European, 0.000085%; no homozygotes.

Submissions (9):

Labcorp Genetics (formerly Invitae), Labcorp
Classification: Pathogenic for DICER1-related tumor predisposition. Last evaluated: 2025-09-10. Review status: criteria provided, single submitter. Criteria: Invitae Variant Classification Sherloc (09022015). Collection method: clinical testing. Allele origin: germline.
Comment: This sequence change creates a premature translational stop signal (p.Tyr1180*) in the DICER1 gene. It is expected to result in an absent or disrupted protein product. Loss-of-function variants in DICER1 are known to be pathogenic (PMID: 19556464, 21266384). This variant is not present in population databases (gnomAD no frequency). This premature translational stop signal has been observed in individual(s) with clinical features of DICER1 syndrome (PMID: 19556464, 30178239). This variant is also known as c.3722C>A (Y1170*). ClinVar contains an entry for this variant (Variation ID: 254323). For these reasons, this variant has been classified as Pathogenic.

Hereditary Cancer Group, L’Institut d'Investigació Biomèdica de Bellvitge
Classification: Pathogenic for DICER1-related tumor predisposition. Last evaluated: 2024-12-19. Review status: criteria provided, single submitter. Criteria: Hatton et al. (Hum Mutat. 2023). Collection method: clinical testing. Allele origin: germline. Inheritance: Autosomal dominant inheritance. Affected: yes.
Comment: PVS1, PS2, PS4, PM2_supporting, PP4

Institute for Genomic Medicine (IGM) Clinical Laboratory, Nationwide Children's Hospital
Classification: Pathogenic for DICER1-related tumor predisposition. Last evaluated: 2024-02-09. Review status: criteria provided, single submitter. Criteria: ACMG Guidelines, 2015. Collection method: clinical testing. Allele origin: germline.
Comment: This variant is predicted to result in loss of function through nonsense-mediated decay of the encoded transcript or premature truncation of the encoded protein in a gene in which loss of function is a known mechanism of disease (ACMG/AMP: PVS1). This variant has been reported at an elevated frequency in affected individuals/in multiple affected individuals in the literature (ACMG/AMP: PS4_Moderate; PMIDs:19556464, 30178239). This variant is absent from or present at an exceedingly low frequency in gnomAD, a large-scale control population database (ACMG/AMP: PM2).

Baylor Genetics
Classification: Pathogenic for Global developmental delay - lung cysts - overgrowth - Wilms tumor syndrome. Last evaluated: 2023-12-15. Review status: criteria provided, single submitter. Criteria: ACMG Guidelines, 2015. Collection method: clinical testing. Allele origin: unknown.

Ambry Genetics
Classification: Pathogenic for Hereditary cancer-predisposing syndrome. Last evaluated: 2023-05-03. Review status: criteria provided, single submitter. Criteria: Ambry Variant Classification Scheme 2023. Collection method: clinical testing. Allele origin: germline.
Comment: The p.Y1180* pathogenic mutation (also known as c.3540C>A), located in coding exon 20 of the DICER1 gene, results from a C to A substitution at nucleotide position 3540. This mutation has been reported in multiple individuals with pleuropulmonary blastoma (PPB) (Hill DA et al. Science. 2009;325(5943):965; Brenneman M et al. F1000Res, 2015 Jul;4:214). Of note, this mutation is also designated as Y1170X in published literature. In addition to the clinical data presented in the literature, this alteration is expected to result in loss of function by premature protein truncation or nonsense-mediated mRNA decay. As such, this alteration is interpreted as a disease-causing mutation.

Quest Diagnostics Nichols Institute San Juan Capistrano
Classification: Pathogenic. Last evaluated: 2023-01-16. Review status: criteria provided, single submitter. Criteria: Quest Diagnostics criteria. Collection method: clinical testing. Allele origin: unknown.
Comment: This nonsense variant causes the premature termination of DICER1 protein synthesis. This variant has not been reported in large, multi-ethnic general populations. In the published literature, the variant has been reported in multiple individuals with pleuropulmonary blastoma (PMIDs: 19556464 (2009) and 26925222 (2015)), in an individual with cystic nephroma (PMID: 30178239 (2018)), and in an individual with an ovarian Sertoli-Leydig cell tumor, well-differentiated fetal adenocarcinoma of the lung, and familial multinodular goiter (PMIDs: 25451712 (2014), 26886166 (2016)). Based on the available information, this variant is classified as pathogenic.

Foulkes Cancer Genetics LDI, Lady Davis Institute for Medical Research
Classification: Pathogenic for Pleuropulmonary blastoma. Last evaluated: 2019-07-01. Review status: criteria provided, single submitter. Criteria: ACMG Guidelines, 2015. Collection method: curation. Allele origin: germline. Affected: yes. Observed: 6 variant alleles.
Comment: ACMG criteria met: PVS1, PM2, PP4

GeneDx
Classification: Pathogenic. Last evaluated: 2018-03-12. Review status: criteria provided, single submitter. Criteria: GeneDx Variant Classification (06012015). Collection method: clinical testing. Allele origin: germline. Affected: yes.
Comment: The Y1180X variant in the DICER1 gene has been reported previously in a family with pleuropulmonary blastoma, and in an individual with ovarian Sertoli-Leydig tumor, fetal adenocarcinoma of the lung, and familial multinodular goiter (Hill et al., 2009; Brenneman et al., 2015; Wu et al., 2014). This variant is predicted to cause loss of normal protein function either through protein truncation or nonsense-mediated mRNA decay. The Y1180X variant is not observed in large population cohorts (Lek et al., 2016). We interpret Y1180X as a pathogenic variant.

International Pleuropulmonary Blastoma Registry, Children's Hospitals and Clinics of Minnesota
Classification: Pathogenic for Pleuropulmonary blastoma. Last evaluated: 2014-11-10. Review status: criteria provided, single submitter. Criteria: Hill et al. (Science. 2009). Collection method: clinical testing. Allele origin: germline. Affected: yes. Study: PPB-DICER1 Genetic study.

Literature cited by the submitters: PubMed 19556464 (cited by 5 submitters); PubMed 21266384 (cited by Labcorp Genetics (formerly Invitae), Labcorp); PubMed 30178239 (cited by 4 submitters); PubMed 25451712 (cited by 3 submitters); PubMed 26886166 (cited by Ambry Genetics and Quest Diagnostics Nichols Institute San Juan Capistrano); PubMed 26925222 (cited by 4 submitters); PubMed 25525159 (cited by Quest Diagnostics Nichols Institute San Juan Capistrano).